The following is an entry in ClinVar:

ClinVar aggregate classification (germline): Uncertain significance (1 of 4 stars; one submission).

Submission:

Women's Health and Genetics/Laboratory Corporation of America, LabCorp
Classification: Uncertain significance. Last evaluated: 2025-10-20. Review status: criteria provided, single submitter. Criteria: LabCorp Variant Classification Summary - May 2015. Collection method: clinical testing. Allele origin: germline.
Comment: Variant summary: TG c.1438G>A (p.Val480Ile) results in a conservative amino acid change in the encoded protein sequence. Algorithms developed to predict the effect of missense changes on protein structure and function all suggest that this variant is likely to be tolerated. The variant was absent in 251412 control chromosomes. The available data on variant occurrences in the general population are insufficient to allow any conclusion about variant significance. To our knowledge, no occurrence of c.1438G>A in individuals affected with TG-related conditions and no experimental evidence demonstrating its impact on protein function have been reported. No submitters have cited clinical-significance assessments for this variant to ClinVar. Based on the evidence outlined above, the variant was classified as uncertain significance.

NM_003235.5(TG):c.1438G>A (p.Val480Ile)

Gene: TG (thyroglobulin; plus strand). Cytogenetic location: 8q24.22.
Variant type: single nucleotide variant.
Coding change: c.1438G>A on transcript NM_003235.5 (MANE Select); coding-DNA position 1438, G replaced by A.
Protein change: p.Val480Ile; replaces valine 480 with isoleucine.
Molecular consequence: missense variant.
Genome position (GRCh38, 1-based): chr8:132,886,810, G>A. VCF-style: chr8-132886810-G-A. GRCh37 (hg19) VCF-style: chr8-133899055-G-A.
Other names: short protein forms V480I.
Identifiers: ClinVar variation 4687178 (VCV004687178.1).
Genomic context (GRCh38, chr8:132,886,810, plus strand): 5'-TTTACCACCAACCCAAAGAGACTCCAGCAAAACCTTTTTGGAGGGAAATTTTTGGTGAAT[G>A]TTGGCCAGTTTAACTTGTCTGGAGCCCTTGGCACAAGAGGCACATTTAACTTCAGTCAAT-3'
Protein context (NP_003226.4, residues 470-490): NLFGGKFLVN[Val480Ile]GQFNLSGALG